The following is an entry in ClinVar:

ClinVar aggregate classification (germline): Uncertain significance (1 of 4 stars; one submission).

Conditions:
Otofaciocervical syndrome 2 (OTFCS2). Also called: OTOFACIOCERVICAL SYNDROME 2, WITH T-CELL DEFICIENCY. Identifiers: MedGen C5442121, MONDO:0014254, OMIM 615560.

Submission:

Neuberg Centre For Genomic Medicine, NCGM
Classification: Uncertain significance for Otofaciocervical syndrome 2. Review status: criteria provided, single submitter. Criteria: ACMG Guidelines, 2015. Collection method: clinical testing. Allele origin: germline. Inheritance: Autosomal recessive inheritance. Affected: yes.
Comment: The c.395G>A (p.Arg132Gln) missense variant in PAX1 gene has not been reported previously as a pathogenic variant nor as a benign variant, to our knowledge. The p.Arg132Gln variant is novel (not in any individuals) in gnomAD Exomes and 1000 Genomes. The amino acid Arg at position 132 is changed to a Gln changing protein sequence and it might alter its composition and physico-chemical properties. The amino acid change p.Arg132Gln in PAX1 is predicted as conserved by GERP++ and PhyloP across 100 vertebrates. For these reasons, this variant has been classified as Variant of Uncertain Significance (VUS).

NM_001257096.2(PAX1):c.395G>A (p.Arg132Gln)

Gene: PAX1 (paired box 1; plus strand). Cytogenetic location: 20p11.22.
Variant type: single nucleotide variant.
Coding change: c.395G>A on transcript NM_001257096.2 (MANE Select); coding-DNA position 395, G replaced by A.
Protein change: p.Arg132Gln; replaces arginine 132 with glutamine.
Molecular consequence: missense variant.
Genome position (GRCh38, 1-based): chr20:21,706,546, G>A. VCF-style: chr20-21706546-G-A. GRCh37 (hg19) VCF-style: chr20-21687184-G-A.
Other names: c.395G>A, p.Arg132Gln (NM_006192.5); short protein forms R132Q.
Identifiers: ClinVar variation 2584919 (VCV002584919.1), dbSNP rs2514801063, ClinGen allele CA408497879.